The following is an entry in ClinVar:

NM_152703.5(SAMD9L):c.809A>G (p.Lys270Arg)

Gene: SAMD9L (sterile alpha motif domain containing 9 like; minus strand). Cytogenetic location: 7q21.2.
Variant type: single nucleotide variant.
Coding change: c.809A>G on transcript NM_152703.5 (MANE Select); coding-DNA position 809, A replaced by G.
Protein change: p.Lys270Arg; replaces lysine 270 with arginine.
Molecular consequence: missense variant.
Genome position (GRCh38, 1-based): chr7:93,135,163, T>C on the plus strand (A>G on the coding strand, the complement: SAMD9L is on the minus strand). VCF-style: chr7-93135163-T-C. GRCh37 (hg19) VCF-style: chr7-92764476-T-C.
Other names: c.809A>G, p.Lys270Arg (NM_001303496.3, NM_001303497.3, NM_001303498.3 and 5 more transcripts); short protein forms K270R.
Identifiers: ClinVar variation 3008229 (VCV003008229.3), dbSNP rs761282639, ClinGen allele CA4343813.
Genomic context (GRCh38, chr7:93,135,163, plus strand): 5'-ACAAACCTTGGCTCCCGAATACACTTCTTGGCTTCATTGATCTCACTTTCTTCAAAATAC[T>C]TTTTGATCATTACATTGAAGTGGTCAATGAAGGCAGCCTTACTGGTGATTTTCACACCAA-3'
Protein context (NP_689916.2, residues 260-280): FIDHFNVMIK[Lys270Arg]YFEESEINEA

ClinVar aggregate classification (germline): Uncertain significance (1 of 4 stars; one submission).

Allele frequency attached by ClinVar (database versions not stated): gnomAD exomes below 0.00001; ExAC 0.00001.

Submission:

Labcorp Genetics (formerly Invitae), Labcorp
Classification: Uncertain significance. Last evaluated: 2023-01-08. Review status: criteria provided, single submitter. Criteria: Invitae Variant Classification Sherloc (09022015). Collection method: clinical testing. Allele origin: germline.
Comment: In summary, the available evidence is currently insufficient to determine the role of this variant in disease. Therefore, it has been classified as a Variant of Uncertain Significance. Algorithms developed to predict the effect of missense changes on protein structure and function are either unavailable or do not agree on the potential impact of this missense change (SIFT: "Not Available"; PolyPhen-2: "Benign"; Align-GVGD: "Not Available"). This variant has not been reported in the literature in individuals affected with SAMD9L-related conditions. This variant is not present in population databases (gnomAD no frequency). This sequence change replaces lysine, which is basic and polar, with arginine, which is basic and polar, at codon 270 of the SAMD9L protein (p.Lys270Arg).